The following is an entry in ClinVar:

NM_000021.4(PSEN1):c.236C>T (p.Ala79Val)

Gene: PSEN1 (presenilin 1; plus strand). Cytogenetic location: 14q24.2.
Variant type: single nucleotide variant.
Coding change: c.236C>T on transcript NM_000021.4 (MANE Select); coding-DNA position 236, C replaced by T.
Protein change: p.Ala79Val; replaces alanine 79 with valine.
Molecular consequence: missense variant.
Genome position (GRCh38, 1-based): chr14:73,170,945, C>T. VCF-style: chr14-73170945-C-T. GRCh37 (hg19) VCF-style: chr14-73637653-C-T.
Other names: c.224C>T, p.Ala75Val (NM_007318.3); short protein forms A79V, A75V.
Identifiers: ClinVar variation 18157 (VCV000018157.14), dbSNP rs63749824, ClinGen allele CA224983.

ClinVar aggregate classification (germline): Pathogenic. Review status: criteria provided, multiple submitters, no conflicts (2 of 4 stars). 7 submissions from 7 submitters: Pathogenic (4). 3 of the submissions do not count toward it. Last evaluated 2025-04-17.

Conditions:
Frontotemporal dementia (FTD1). Also called: WILHELMSEN-LYNCH DISEASE; Frontotemporal lobe dementia (FLDEM); Dementia, frontotemporal, with or without parkinsonism; Frontotemporal Dementia with Parkinsonism-17 (FTDP-17); FRONTOTEMPORAL DEMENTIA WITH PARKINSONISM; FRONTOTEMPORAL LOBE DEMENTIA. Identifiers: Orphanet 282, MedGen C0338451, MONDO:0017276, OMIM 600274, HP:0002145.
Alzheimer disease 3 (AD3). Also called: ALZHEIMER DISEASE, FAMILIAL, 3. Identifiers: Orphanet 1020, MedGen C1843013, MONDO:0011913, OMIM 607822.
Acne inversa, familial, 3 (ACNINV3). Identifiers: MedGen C3151038, MONDO:0013398, OMIM 613737.
Pick disease. Also called: Pick Disease of the Brain; Pick's disease; LOBAR ATROPHY OF BRAIN; PICK DISEASE OF BRAIN; DEMENTIA WITH LOBAR ATROPHY AND NEURONAL CYTOPLASMIC INCLUSIONS. Identifiers: Orphanet 282, MedGen C0236642, MONDO:0008243, OMIM 172700.
Dementia. Identifiers: MedGen C0497327, MONDO:0001627, HP:0000726.

Allele frequency attached by ClinVar (database versions not stated): TOPMed below 0.00001; ExAC 0.00001; gnomAD 0.00003 and 0.00004.
gnomAD v4.1: 15 of 1,614,068 alleles (0.00093%); highest among the groups gnomAD compares: African/African-American, 0.0013%; no homozygotes.

Submissions (7):

Labcorp Genetics (formerly Invitae), Labcorp
Classification: Pathogenic for Alzheimer disease 3; Pick disease; Acne inversa, familial, 3; Frontotemporal dementia. Last evaluated: 2025-04-17. Review status: criteria provided, single submitter. Criteria: Invitae Variant Classification Sherloc (09022015). Collection method: clinical testing. Allele origin: germline.
Comment: This sequence change replaces alanine, which is neutral and non-polar, with valine, which is neutral and non-polar, at codon 79 of the PSEN1 protein (p.Ala79Val). This variant is present in population databases (rs63749824, gnomAD 0.004%). This missense change has been observed in individuals with early-onset Alzheimer's disease and late-onset Alzheimer's disease (PMID: 9384602, 10631141, 27454811). It has also been observed to segregate with disease in related individuals. Invitae Evidence Modeling of clinical and family history, age, sex, and reported ancestry of multiple individuals with this PSEN1 variant has been performed. This variant is expected to be pathogenic with a positive predictive value of at least 99%. This is a validated machine learning model that incorporates the clinical features of 18,931 individuals referred to our laboratory for PSEN1 testing. ClinVar contains an entry for this variant (Variation ID: 18157). Invitae Evidence Modeling of protein sequence and biophysical properties (such as structural, functional, and spatial information, amino acid conservation, physicochemical variation, residue mobility, and thermodynamic stability) indicates that this missense variant is expected to disrupt PSEN1 protein function with a positive predictive value of 95%. Experimental studies are conflicting or provide insufficient evidence to determine the effect of this variant on PSEN1 function (PMID: 17366635, 17431506). For these reasons, this variant has been classified as Pathogenic.

Women's Health and Genetics/Laboratory Corporation of America, LabCorp
Classification: Pathogenic for Alzheimer disease 3. Last evaluated: 2025-02-24. Review status: criteria provided, single submitter. Criteria: LabCorp Variant Classification Summary - May 2015. Collection method: clinical testing. Allele origin: germline.
Comment: Variant summary: PSEN1 c.236C>T (p.Ala79Val) results in a non-conservative amino acid change in the encoded protein sequence. Five of five in-silico tools predict a damaging effect of the variant on protein function. The variant allele was found at a frequency of 1.2e-05 in 251430 control chromosomes. c.236C>T has been reported in the literature in multiple individuals affected with Alzheimer Disease (e.g., Cruts_1998, Day_2016, Finckh_2000). These data indicate that the variant is very likely to be associated with disease. The following publications have been ascertained in the context of this evaluation (PMID: 9384602, 27454811, 10631141). ClinVar contains an entry for this variant (Variation ID: 18157). Based on the evidence outlined above, the variant was classified as pathogenic.

Clinical Genetics Laboratory, Skane University Hospital Lund
Classification: Pathogenic for Dementia. Last evaluated: 2024-08-05. Review status: criteria provided, single submitter. Criteria: ACMG Guidelines, 2015. Collection method: clinical testing. Allele origin: germline. Affected: yes.
Comment: PS3 (PMID: 17366635, 16752394), PS4 (PMID: 30797548, 30924900, 9384602, 10631141, 27454811), PP1 (PMID 27454811), PP3

Athena Diagnostics
Classification: Pathogenic. Last evaluated: 2023-06-07. Review status: criteria provided, single submitter. Criteria: Athena Diagnostics Criteria. Collection method: clinical testing. Allele origin: unknown.
Comment: The frequency of this variant in the general population is consistent with pathogenicity (Genome Aggregation Database (gnomAD), Cambridge, MA (URL)). This variant is statistically more frequent in individuals affected with Alzheimer disease than in the general population and/or healthy controls. This variant associates with Alzheimer disease in multiple families. Assessment of experimental evidence suggests this variant results in abnormal protein function. Studies show that this variant results in an increase in AB42/AB40 ratios (PMID: 17366635, 16752394).

OMIM
Classification: Pathogenic for ALZHEIMER DISEASE, FAMILIAL, 3. Last evaluated: 2007-05-01. Review status: no assertion criteria provided. Collection method: literature only. Allele origin: germline. Not counted in ClinVar's aggregate classification.

GeneReviews
No classification provided. Condition: Alzheimer disease 3. Review status: no classification provided. Collection method: literature only. Allele origin: unknown. Not counted in ClinVar's aggregate classification.

VIB  Department of Molecular Genetics, University of Antwerp
No classification provided. Review status: no classification provided. Collection method: not provided. Allele origin: unknown. Not counted in ClinVar's aggregate classification.

Literature cited by the submitters: PubMed 9384602 (cited by 3 submitters); PubMed 10631141 (cited by 3 submitters); PubMed 27454811 (cited by 3 submitters); PubMed 17366635 (cited by 4 submitters); PubMed 17431506 (cited by Labcorp Genetics (formerly Invitae), Labcorp and Athena Diagnostics); PubMed 32087291 (cited by Athena Diagnostics); PubMed 28350801 (cited by Athena Diagnostics); PubMed 30924900 (cited by Athena Diagnostics); PubMed 27930341 (cited by Athena Diagnostics); PubMed 17615170 (cited by Athena Diagnostics and GeneReviews); PubMed 27345973 (cited by Athena Diagnostics); PubMed 30797548 (cited by Athena Diagnostics); PubMed 22475797 (cited by Athena Diagnostics); PubMed 16752394 (cited by Athena Diagnostics); PubMed 22312439 (cited by Athena Diagnostics); PubMed 22118943 (cited by Athena Diagnostics); PubMed 24093083 (cited by Athena Diagnostics); PubMed 23588422 (cited by Athena Diagnostics); PubMed 11524469 (cited by Athena Diagnostics); PubMed 20301414 (cited by GeneReviews); NCBI Bookshelf NBK1236 (cited by GeneReviews).